The following is an entry in ClinVar:

NM_018972.4(GDAP1):c.246C>T (p.His82=)

Gene: GDAP1 (ganglioside induced differentiation associated protein 1; plus strand). Cytogenetic location: 8q21.11.
Variant type: single nucleotide variant.
Coding change: c.246C>T on transcript NM_018972.4 (MANE Select); coding-DNA position 246, C replaced by T.
Protein change: p.His82=; no amino-acid change (histidine 82 retained).
Molecular consequence: synonymous variant. On other transcripts: intron variant (2).
Genome position (GRCh38, 1-based): chr8:74,351,402, C>T. VCF-style: chr8-74351402-C-T. GRCh37 (hg19) VCF-style: chr8-75263637-C-T.
Other names: c.42C>T, p.His14= (NM_001040875.4); c.246C>T, p.His82= (NM_001362930.2, NM_001362931.2); c.-18+81C>T (NM_001362929.2); c.-18+824C>T (NM_001362932.2).
Identifiers: ClinVar variation 3625354 (VCV003625354.2).

ClinVar aggregate classification (germline): Conflicting classifications of pathogenicity. Review status: criteria provided, conflicting classifications (1 of 4 stars). 2 submissions from 2 submitters: VUS-low (1); Likely benign (1). Last evaluated 2026-01-31.

Conditions:
Charcot-Marie-Tooth disease axonal type 2K (CMT2K). Also called: CHARCOT-MARIE-TOOTH DISEASE, AXONAL, AUTOSOMAL RECESSIVE, TYPE 2K; CHARCOT-MARIE-TOOTH NEUROPATHY, AXONAL, TYPE 2K; Charcot-Marie-Tooth disease type 2K. Identifiers: Orphanet 101097, Orphanet 99944, MedGen C1842983, MONDO:0011916, OMIM 607831.
Charcot-Marie-Tooth disease type 4A. Also called: Charcot-Marie-Tooth disease, demyelinating, autosomal recessive, type 4a. Identifiers: Orphanet 99948, MedGen C1859198, MONDO:0008961, OMIM 214400.

gnomAD v4.1: 4 of 1,613,724 alleles (0.00025%); highest among the groups gnomAD compares: African/African-American, 0.0027%; no homozygotes.

Submissions (2):

Genetic Diseases Diagnostic Center, Koc University Hospital
Classification: VUS-low for Charcot-Marie-Tooth disease axonal type 2K. Last evaluated: 2026-01-31. Review status: criteria provided, single submitter. Criteria: ACMG Guidelines, 2015. Collection method: clinical testing. Allele origin: biparental. Inheritance: Autosomal recessive inheritance. Affected: yes.
Comment: This is a synonymous variant altering the codon 82 but does not cause amino acid change (p.His82His). In silico prediction tools do not predict any splicing defect due to this variant (BP7). However, it is a rare variant with a maximal non-founder subpopulations frequency of <0.001% in gnomAD database (v4.1.0) (PM2). There is no functional study related to this variant in the literature. In summary, the available evidence is insufficient to exclude the deleterious effect of this variant. Hence, it is classified as variant of uncertain significance (VUS-low) according to the ACMG/AMP criteria.

Labcorp Genetics (formerly Invitae), Labcorp
Classification: Likely benign for Charcot-Marie-Tooth disease type 4A. Last evaluated: 2024-06-04. Review status: criteria provided, single submitter. Criteria: Invitae Variant Classification Sherloc (09022015). Collection method: clinical testing. Allele origin: germline.